The following is an entry in ClinVar:

ClinVar aggregate classification (germline): Uncertain significance (1 of 4 stars; one submission).

Submission:

Labcorp Genetics (formerly Invitae), Labcorp
Classification: Uncertain significance. Last evaluated: 2025-01-27. Review status: criteria provided, single submitter. Criteria: Invitae Variant Classification Sherloc (09022015). Collection method: clinical testing. Allele origin: germline.
Comment: This sequence change replaces tryptophan, which is neutral and slightly polar, with lysine, which is basic and polar, at codon 354 of the CAPN5 protein (p.Trp354Lys). This variant is present in population databases (no rsID available, gnomAD 0.0004%). This variant has not been reported in the literature in individuals affected with CAPN5-related conditions. ClinVar contains an entry for this variant (Variation ID: 2040902). An algorithm developed to predict the effect of missense changes on protein structure and function (PolyPhen-2) suggests that this variant is likely to be disruptive. In summary, the available evidence is currently insufficient to determine the role of this variant in disease. Therefore, it has been classified as a Variant of Uncertain Significance.

NM_004055.5(CAPN5):c.1060_1061delinsAA (p.Trp354Lys)

Gene: CAPN5 (calpain 5; plus strand). Cytogenetic location: 11q13.5.
Variant type: Indel.
Coding change: c.1060_1061delinsAA on transcript NM_004055.5 (MANE Select); coding-DNA positions 1060 to 1061, TG replaced by AA.
Protein change: p.Trp354Lys; replaces tryptophan 354 with lysine.
Molecular consequence: missense variant.
Genome position (GRCh38, 1-based): chr11:77,118,245-77,118,246, TG replaced by AA. VCF-style: chr11-77118245-TG-AA. GRCh37 (hg19) VCF-style: chr11-76829291-TG-AA.
Other names: short protein forms W354K.
Identifiers: ClinVar variation 2040902 (VCV002040902.4), dbSNP rs2496298794, ClinGen allele CA2580084942.
Genomic context (GRCh38, chr11:77,118,245, plus strand): 5'-TTCACGGACATCATCAAGTGCCGCGTGATCAACACATCCCACCTGAGCATCCACAAGACG[TG>AA]GGAGGAGGCCCGGCTGCATGGCGCCTGGACGCTGCATGAGGACCCGCGACAGAACCGCGG-3'
Protein context (NP_004046.2, residues 344-364): NTSHLSIHKT[Trp354Lys]EEARLHGAWT